The following is an entry in ClinVar:

NM_000541.5(SAG):c.136+4A>G

Gene: SAG (S-antigen visual arrestin; plus strand). Cytogenetic location: 2q37.1.
Variant type: single nucleotide variant.
Coding change: c.136+4A>G on transcript NM_000541.5 (MANE Select); 4 bases into the intron after coding-DNA position 136, A replaced by G.
Molecular consequence: intron variant.
Genome position (GRCh38, 1-based): chr2:233,316,139, A>G. VCF-style: chr2-233316139-A-G. GRCh37 (hg19) VCF-style: chr2-234224785-A-G.
Identifiers: ClinVar variation 734531 (VCV000734531.12), dbSNP rs779457271, ClinGen allele CA2174220.

ClinVar aggregate classification (germline): Benign/Likely benign. Review status: criteria provided, multiple submitters, no conflicts (2 of 4 stars). 3 submissions from 3 submitters: Benign (1); Likely benign (2). Last evaluated 2026-02-01.

Conditions:
SAG-related disorder. Also called: SAG-related condition; SAG-related disorders.

Allele frequency attached by ClinVar (database versions not stated): gnomAD 0.00006; gnomAD exomes 0.00009 and 0.00046; TOPMed 0.00039; ExAC 0.00059.
gnomAD v4.1: 139 of 1,562,776 alleles (0.0089%); highest among the groups gnomAD compares: Admixed American, 0.24%; 1 homozygote.

Submissions (3):

Labcorp Genetics (formerly Invitae), Labcorp
Classification: Benign. Last evaluated: 2026-02-01. Review status: criteria provided, single submitter. Criteria: Invitae Variant Classification Sherloc (09022015). Collection method: clinical testing. Allele origin: germline.

PreventionGenetics, part of Exact Sciences
Classification: Likely benign for SAG-related condition. Last evaluated: 2024-12-13. Review status: criteria provided, single submitter. Criteria: ACMG Guidelines, 2015. Collection method: clinical testing. Allele origin: germline.
Comment: This variant is classified as likely benign based on ACMG/AMP sequence variant interpretation guidelines (Richards et al. 2015 PMID: 25741868, with internal and published modifications).

Blueprint Genetics
Classification: Likely benign. Last evaluated: 2022-11-01. Review status: criteria provided, single submitter. Criteria: ACMG Guidelines, 2015. Collection method: clinical testing. Allele origin: germline.